The following is an entry in ClinVar:

NM_001903.5(CTNNA1):c.301+9T>C

Gene: CTNNA1 (catenin alpha 1; plus strand). Cytogenetic location: 5q31.2.
Variant type: single nucleotide variant.
Coding change: c.301+9T>C on transcript NM_001903.5 (MANE Select); 9 bases into the intron after coding-DNA position 301, T replaced by C.
Molecular consequence: intron variant.
Genome position (GRCh38, 1-based): chr5:138,783,381, T>C. VCF-style: chr5-138783381-T-C. GRCh37 (hg19) VCF-style: chr5-138119070-T-C.
Other names: c.301+9T>C (NM_001323982.2, NM_001323984.2, NM_001290307.3 and 3 more transcripts); c.-6+109T>C (NM_001290310.3); c.-9+1352T>C (NM_001290309.3).
Identifiers: ClinVar variation 3773437 (VCV003773437.1).

ClinVar aggregate classification (germline): Likely benign (1 of 4 stars; one submission).

Conditions:
Hereditary diffuse gastric adenocarcinoma (HDGC). Also called: DIFFUSE GASTRIC AND LOBULAR BREAST CANCER SYNDROME. Identifiers: Orphanet 26106, MedGen C1708349, MONDO:0007648, OMIM 137215.

Submission:

Myriad Genetics, Inc.
Classification: Likely benign for Hereditary diffuse gastric adenocarcinoma. Last evaluated: 2024-10-09. Review status: criteria provided, single submitter. Criteria: Myriad Autosomal Dominant, Autosomal Recessive and X-Linked Classification Criteria (2023). Collection method: clinical testing. Allele origin: unknown.
Comment: This variant is considered likely benign. This variant is intronic and is not expected to impact mRNA splicing.